The following is an entry in ClinVar:

NM_000336.3(SCNN1B):c.245C>G (p.Ser82Cys)

Gene: SCNN1B (sodium channel epithelial 1 subunit beta; plus strand). Cytogenetic location: 16p12.2.
Variant type: single nucleotide variant.
Coding change: c.245C>G on transcript NM_000336.3 (MANE Select); coding-DNA position 245, C replaced by G.
Protein change: p.Ser82Cys; replaces serine 82 with cysteine.
Molecular consequence: missense variant.
Genome position (GRCh38, 1-based): chr16:23,348,844, C>G. VCF-style: chr16-23348844-C-G. GRCh37 (hg19) VCF-style: chr16-23360165-C-G.
Other names: short protein forms S82C.
Identifiers: ClinVar variation 8844 (VCV000008844.53), dbSNP rs35731153, ClinGen allele CA119969.
Genomic context (GRCh38, chr16:23,348,844, plus strand): 5'-TCGTCTGCTGGCAGTGGGGCATCTTCATCAGGACCTACTTGAGCTGGGAGGTCAGCGTCT[C>G]CCTCTCCGTAGGCTTCAAGACCATGGACTTCCCTGCCGTCACCATCTGCAATGCTAGCCC-3'
Protein context (NP_000327.2, residues 72-92): RTYLSWEVSV[Ser82Cys]LSVGFKTMDF

ClinVar aggregate classification (germline): Conflicting classifications of pathogenicity. Review status: criteria provided, conflicting classifications (1 of 4 stars). 18 submissions from 16 submitters: Uncertain significance (1); Benign (8); Likely benign (5). 4 of the submissions do not count toward it. Last evaluated 2026-03-01.

Conditions:
SCNN1B-related disorder. Also called: SCNN1B-related condition.
Bronchiectasis with or without elevated sweat chloride 1 (BESC1). Also called: Cystic Fibrosis-Like Syndrome. Identifiers: Orphanet 60033, MedGen C2749757, MONDO:0008887, OMIM 211400.
Liddle syndrome 1 (LIDLS1). Also called: PSEUDOALDOSTERONISM. Identifiers: Orphanet 526, MedGen CN031472, MONDO:0020607, OMIM 177200.
Pseudohypoaldosteronism, type IB1, autosomal recessive. Also called: PHA I, AUTOSOMAL RECESSIVE; Pseudohypoaldosteronism, Type I, Recessive; Pseudohypoaldosteronism, Type I, Autosomal Recessive; Autosomal recessive pseudohypoaldosteronism type 1. Identifiers: Orphanet 171876, Orphanet 756, MedGen C5774176, MONDO:0009917, OMIM 264350.

Allele frequency attached by ClinVar (database versions not stated): 1000 Genomes Project 30x 0.00062; 1000 Genomes Project 0.00080; gnomAD 0.00438 and 0.00463; TOPMed 0.00465; gnomAD exomes 0.00476 and 0.00752; ExAC 0.00479.
gnomAD v4.1: 11,582 of 1,614,162 alleles (0.72%); highest among the groups gnomAD compares: Non-Finnish European, 0.86%; 63 homozygotes.

Submissions (18):

CeGaT Center for Human Genetics Tuebingen
Classification: Likely benign. Last evaluated: 2026-03-01. Review status: criteria provided, single submitter. Criteria: CeGaT Center For Human Genetics Tuebingen Variant Classification Criteria Version 2. Collection method: clinical testing. Allele origin: germline. Affected: yes. Observed: 6 variant alleles.
Comment: SCNN1B: BS2

Labcorp Genetics (formerly Invitae), Labcorp
Classification: Benign. Last evaluated: 2026-01-27. Review status: criteria provided, single submitter. Criteria: Invitae Variant Classification Sherloc (09022015). Collection method: clinical testing. Allele origin: germline.

Mayo Clinic Laboratories, Mayo Clinic
Classification: Likely benign. Last evaluated: 2025-08-30. Review status: criteria provided, single submitter. Criteria: ACMG Guidelines, 2015. Collection method: clinical testing. Allele origin: germline. Observed: 3 variant alleles.
Comment: BS1

Blueprint Genetics
Classification: Likely benign. Last evaluated: 2024-11-27. Review status: criteria provided, single submitter. Criteria: ACMG Guidelines, 2015. Collection method: clinical testing. Allele origin: germline.

Molecular Genetics, Royal Melbourne Hospital
Classification: Likely benign for Liddle syndrome 1. Last evaluated: 2024-04-07. Review status: criteria provided, single submitter. Criteria: ACMG Guidelines, 2015. Collection method: clinical testing. Allele origin: germline. Inheritance: Autosomal recessive inheritance.

Mendelics
Classification: Benign for Bronchiectasis with or without elevated sweat chloride 1. Last evaluated: 2023-08-22. Review status: criteria provided, single submitter. Criteria: Mendelics Assertion Criteria 2019. Collection method: clinical testing. Allele origin: germline.

Johns Hopkins Genomics, Johns Hopkins University
Classification: Benign for Bronchiectasis with or without elevated sweat chloride 1. Last evaluated: 2021-10-21. Review status: criteria provided, single submitter. Criteria: ACMG Guidelines, 2015. Collection method: clinical testing. Allele origin: germline.

Illumina Laboratory Services, Illumina
Classification: Benign for Bronchiectasis with or without elevated sweat chloride 1. Last evaluated: 2018-03-06. Review status: criteria provided, single submitter. Criteria: ICSL Variant Classification Criteria 13 December 2019. Collection method: clinical testing. Allele origin: germline.
Comment: This variant was observed in the ICSL laboratory as part of a predisposition screen in an ostensibly healthy population. It had not been previously curated by ICSL or reported in the Human Gene Mutation Database (HGMD: prior to June 1st, 2018), and was therefore a candidate for classification through an automated scoring system. Utilizing variant allele frequency, disease prevalence and penetrance estimates, and inheritance mode, an automated score was calculated to assess if this variant is too frequent to cause the disease. Based on the score and internal cut-off values, a variant classified as benign is not then subjected to further curation. The score for this variant resulted in a classification of benign for this disease.

Illumina Laboratory Services, Illumina
Classification: Benign for Liddle syndrome 1. Last evaluated: 2018-03-06. Review status: criteria provided, single submitter. Criteria: ICSL Variant Classification Criteria 13 December 2019. Collection method: clinical testing. Allele origin: germline.
Comment: the same text as in the submission from Illumina Laboratory Services, Illumina above.

Illumina Laboratory Services, Illumina
Classification: Likely benign for Pseudohypoaldosteronism, type IB1, autosomal recessive. Last evaluated: 2018-03-06. Review status: criteria provided, single submitter. Criteria: ICSL Variant Classification Criteria 13 December 2019. Collection method: clinical testing. Allele origin: germline.
Comment: This variant was observed in the ICSL laboratory as part of a predisposition screen in an ostensibly healthy population. It had not been previously curated by ICSL or reported in the Human Gene Mutation Database (HGMD: prior to June 1st, 2018), and was therefore a candidate for classification through an automated scoring system. Utilizing variant allele frequency, disease prevalence and penetrance estimates, and inheritance mode, an automated score was calculated to assess if this variant is too frequent to cause the disease. Based on the score and internal cut-off values, a variant classified as likely benign is not then subjected to further curation. The score for this variant resulted in a classification of likely benign for this disease.

Athena Diagnostics
Classification: Benign. Last evaluated: 2017-12-11. Review status: criteria provided, single submitter. Criteria: Athena Diagnostics Criteria. Collection method: clinical testing. Allele origin: germline.

GeneDx
Classification: Benign. Last evaluated: 2016-09-01. Review status: criteria provided, single submitter. Criteria: GeneDx Variant Classification (06012015). Collection method: clinical testing. Allele origin: germline. Affected: yes.
Comment: This variant is considered likely benign or benign based on one or more of the following criteria: it is a conservative change, it occurs at a poorly conserved position in the protein, it is predicted to be benign by multiple in silico algorithms, and/or has population frequency not consistent with disease.

Soonchunhyang University Bucheon Hospital, Soonchunhyang University Medical Center
Classification: Uncertain significance for Bronchiectasis with or without elevated sweat chloride 1. Last evaluated: 2016-03-18. Review status: criteria provided, single submitter. Criteria: ACMG Guidelines, 2015. Collection method: reference population. Allele origin: germline. Observed: 1 variant allele.

Eurofins Ntd Llc (ga)
Classification: Benign. Last evaluated: 2014-11-26. Review status: criteria provided, single submitter. Criteria: EGL Classification Definitions 2015. Collection method: clinical testing. Allele origin: germline. Observed: 2 variant alleles, 2 heterozygotes.

PreventionGenetics, part of Exact Sciences
Classification: Benign for SCNN1B-related condition. Last evaluated: 2020-01-15. Review status: no assertion criteria provided. Collection method: clinical testing. Allele origin: germline. Not counted in ClinVar's aggregate classification.
Comment: This variant is classified as benign based on ACMG/AMP sequence variant interpretation guidelines (Richards et al. 2015 PMID: 25741868, with internal and published modifications).

OMIM
Classification: Pathogenic for BRONCHIECTASIS WITH OR WITHOUT ELEVATED SWEAT CHLORIDE 1. Last evaluated: 2008-05-28. Review status: no assertion criteria provided. Collection method: literature only. Allele origin: germline. Not counted in ClinVar's aggregate classification.

Genome Diagnostics Laboratory, University Medical Center Utrecht
Classification: Likely benign. Review status: no assertion criteria provided. Collection method: clinical testing. Allele origin: germline. Affected: yes. Study: VKGL Data-share Consensus. Not counted in ClinVar's aggregate classification.

Joint Genome Diagnostic Labs from Nijmegen and Maastricht, Radboudumc and MUMC+
Classification: Likely benign. Review status: no assertion criteria provided. Collection method: clinical testing. Allele origin: germline. Affected: yes. Study: VKGL Data-share Consensus. Not counted in ClinVar's aggregate classification.

Literature cited by the submitters: PubMed 16207733 (cited by 4 submitters); PubMed 18507830 (cited by 4 submitters); PubMed 25333069 (cited by Mayo Clinic Laboratories, Mayo Clinic and Athena Diagnostics); PubMed 26038974 (cited by Mayo Clinic Laboratories, Mayo Clinic and Athena Diagnostics); PubMed 28915228 (cited by Mayo Clinic Laboratories, Mayo Clinic); PubMed 19462466 (cited by Athena Diagnostics and Eurofins Ntd Llc (ga)).